The following is an entry in ClinVar:

ClinVar aggregate classification (germline): Conflicting classifications of pathogenicity. Review status: criteria provided, conflicting classifications (1 of 4 stars). 4 submissions from 4 submitters: Uncertain significance (1); Benign (1); Likely benign (2). Last evaluated 2025-12-17.

Conditions:
Primary ciliary dyskinesia 3. Identifiers: Orphanet 244, MedGen C1837618, MONDO:0012085, OMIM 608644.
Primary ciliary dyskinesia. Also called: Ciliary dyskinesia. Identifiers: Orphanet 244, MedGen C0008780, MONDO:0016575, HP:0012265.

Allele frequency attached by ClinVar (database versions not stated): gnomAD exomes 0.00020 and 0.00038; ExAC 0.00050; 1000 Genomes Project 0.00060; 1000 Genomes Project 30x 0.00078; gnomAD 0.00144 and 0.00160; ESP Exome Variant Server 0.00162; TOPMed 0.00165.
gnomAD v4.1: 511 of 1,610,776 alleles (0.032%); highest among the groups gnomAD compares: African/African-American, 0.49%; no homozygotes.

Submissions (4):

Labcorp Genetics (formerly Invitae), Labcorp
Classification: Benign for Primary ciliary dyskinesia. Last evaluated: 2025-12-17. Review status: criteria provided, single submitter. Criteria: Invitae Variant Classification Sherloc (09022015). Collection method: clinical testing. Allele origin: germline.

Blueprint Genetics
Classification: Likely benign. Last evaluated: 2024-07-05. Review status: criteria provided, single submitter. Criteria: ACMG Guidelines, 2015. Collection method: clinical testing. Allele origin: germline.

Illumina Laboratory Services, Illumina
Classification: Uncertain significance for Primary ciliary dyskinesia 3. Last evaluated: 2018-01-13. Review status: criteria provided, single submitter. Criteria: ICSL Variant Classification Criteria 13 December 2019. Collection method: clinical testing. Allele origin: germline.

Laboratory for Molecular Medicine, Mass General Brigham Personalized Medicine
Classification: Likely benign. Last evaluated: 2015-08-12. Review status: criteria provided, single submitter. Criteria: LMM Criteria. Collection method: clinical testing. Allele origin: germline. Observed: 1 variant allele.
Comment: c.1321-15T>C in intron 10 of DNAH5: This variant is not expected to have clinica l significance because it has been identified in 0.5% (44/9348) of African chrom osomes by the Exome Aggregation Consortium (ExAC ; dbSNP rs202081804).

NM_001369.3(DNAH5):c.1321-15T>C

Gene: DNAH5 (dynein axonemal heavy chain 5; minus strand). Cytogenetic location: 5p15.2.
Variant type: single nucleotide variant.
Coding change: c.1321-15T>C on transcript NM_001369.3 (MANE Select); 15 bases into the intron before coding-DNA position 1321, T replaced by C.
Molecular consequence: intron variant.
Genome position (GRCh38, 1-based): chr5:13,913,973, A>G on the plus strand (T>C on the coding strand, the complement: DNAH5 is on the minus strand). VCF-style: chr5-13913973-A-G. GRCh37 (hg19) VCF-style: chr5-13914082-A-G.
Identifiers: ClinVar variation 227323 (VCV000227323.26), dbSNP rs202081804, ClinGen allele CA3204877.